The following is an entry in ClinVar:

NM_001145809.2(MYH14):c.2431G>T (p.Ala811Ser)

Gene: MYH14 (myosin heavy chain 14; plus strand). Cytogenetic location: 19q13.33.
Variant type: single nucleotide variant.
Coding change: c.2431G>T on transcript NM_001145809.2 (MANE Select); coding-DNA position 2431, G replaced by T.
Protein change: p.Ala811Ser; replaces alanine 811 with serine.
Molecular consequence: missense variant.
Genome position (GRCh38, 1-based): chr19:50,261,481, G>T. VCF-style: chr19-50261481-G-T. GRCh37 (hg19) VCF-style: chr19-50764738-G-T.
Other names: c.2332G>T, p.Ala778Ser (NM_001077186.2); c.2308G>T, p.Ala770Ser (NM_024729.4); short protein forms A811S, A770S, A778S.
Identifiers: ClinVar variation 2232489 (VCV002232489.5), dbSNP rs745614655, ClinGen allele CA9592951.
Genomic context (GRCh38, chr19:50,261,481, plus strand): 5'-CCCCACTCCCCCATCACCCCCTCTCCGTCATCACCCCTCTCCCACCCCTCACAGATCCAG[G>T]CGCTGGAACTGGACCCCAACCTCTACCGCGTGGGACAGAGCAAGATCTTCTTCCGGGCTG-3'
Protein context (NP_001139281.1, residues 801-821): GKQACEKMIQ[Ala811Ser]LELDPNLYRV

ClinVar aggregate classification (germline): Conflicting classifications of pathogenicity. Review status: criteria provided, conflicting classifications (1 of 4 stars). 3 submissions from 3 submitters: Uncertain significance (2); Likely benign (1). Last evaluated 2025-02-11.

Conditions:
Inborn genetic diseases. Identifiers: MedGen C0950123, MeSH D030342.

Allele frequency attached by ClinVar (database versions not stated): gnomAD 0.00001.
gnomAD v4.1: 7 of 1,434,342 alleles (0.00049%); highest among the groups gnomAD compares: Admixed American, 0.014%; no homozygotes.

Submissions (3):

Labcorp Genetics (formerly Invitae), Labcorp
Classification: Uncertain significance. Last evaluated: 2025-02-11. Review status: criteria provided, single submitter. Criteria: Invitae Variant Classification Sherloc (09022015). Collection method: clinical testing. Allele origin: germline.
Comment: This sequence change replaces alanine, which is neutral and non-polar, with serine, which is neutral and polar, at codon 770 of the MYH14 protein (p.Ala770Ser). This variant is present in population databases (rs745614655, gnomAD 0.03%). This variant has not been reported in the literature in individuals affected with MYH14-related conditions. ClinVar contains an entry for this variant (Variation ID: 2232489). Invitae Evidence Modeling of protein sequence and biophysical properties (such as structural, functional, and spatial information, amino acid conservation, physicochemical variation, residue mobility, and thermodynamic stability) indicates that this missense variant is not expected to disrupt MYH14 protein function with a negative predictive value of 80%. In summary, the available evidence is currently insufficient to determine the role of this variant in disease. Therefore, it has been classified as a Variant of Uncertain Significance.

GeneDx
Classification: Likely benign. Last evaluated: 2023-04-28. Review status: criteria provided, single submitter. Criteria: GeneDx Variant Classification Process June 2021. Collection method: clinical testing. Allele origin: germline. Affected: yes.
Comment: See Variant Classification Assertion Criteria.

Ambry Genetics
Classification: Uncertain significance for Inborn genetic diseases. Last evaluated: 2022-07-19. Review status: criteria provided, single submitter. Criteria: Ambry Variant Classification Scheme 2023. Collection method: clinical testing. Allele origin: germline.